The following is an entry in ClinVar:

ClinVar aggregate classification (germline): Uncertain significance. Review status: criteria provided, multiple submitters, no conflicts (2 of 4 stars). 2 submissions from 2 submitters: Uncertain significance (2). Last evaluated 2026-03-26.

Conditions:
Inborn genetic diseases. Identifiers: MedGen C0950123, MeSH D030342.

Allele frequency attached by ClinVar (database versions not stated): gnomAD exomes below 0.00001.
gnomAD v4.1: 3 of 1,614,108 alleles (0.00019%); highest among the groups gnomAD compares: Middle Eastern, 0.016%; no homozygotes.

Submissions (2):

Ambry Genetics
Classification: Uncertain significance for Inborn genetic diseases. Last evaluated: 2026-03-26. Review status: criteria provided, single submitter. Criteria: Ambry Variant Classification Scheme 2023. Collection method: clinical testing. Allele origin: germline.
Comment: The c.3900G>C (p.E1300D) alteration is located in exon 17 (coding exon 16) of the KAT6A gene. This alteration results from a G to C substitution at nucleotide position 3900, causing the glutamic acid (E) at amino acid position 1300 to be replaced by an aspartic acid (D). Based on data from gnomAD, the C allele has an overall frequency of <0.001% (1/249812) total alleles studied. The highest observed frequency was 0.001% (1/112098) of European (non-Finnish) alleles. Based on insufficient or conflicting evidence, the clinical significance of this alteration remains unclear.

Labcorp Genetics (formerly Invitae), Labcorp
Classification: Uncertain significance. Last evaluated: 2023-05-12. Review status: criteria provided, single submitter. Criteria: Invitae Variant Classification Sherloc (09022015). Collection method: clinical testing. Allele origin: germline.
Comment: In summary, the available evidence is currently insufficient to determine the role of this variant in disease. Therefore, it has been classified as a Variant of Uncertain Significance. Advanced modeling of protein sequence and biophysical properties (such as structural, functional, and spatial information, amino acid conservation, physicochemical variation, residue mobility, and thermodynamic stability) performed at Invitae indicates that this missense variant is not expected to disrupt KAT6A protein function. This variant has not been reported in the literature in individuals affected with KAT6A-related conditions. This variant is present in population databases (rs772517708, gnomAD 0.0009%). This sequence change replaces glutamic acid, which is acidic and polar, with aspartic acid, which is acidic and polar, at codon 1300 of the KAT6A protein (p.Glu1300Asp).

NM_006766.5(KAT6A):c.3900G>C (p.Glu1300Asp)

Gene: KAT6A (lysine acetyltransferase 6A; minus strand). Cytogenetic location: 8p11.21.
Variant type: single nucleotide variant.
Coding change: c.3900G>C on transcript NM_006766.5 (MANE Select); coding-DNA position 3900, G replaced by C.
Protein change: p.Glu1300Asp; replaces glutamic acid 1300 with aspartic acid.
Molecular consequence: missense variant.
Genome position (GRCh38, 1-based): chr8:41,934,320, C>G on the plus strand (G>C on the coding strand, the complement: KAT6A is on the minus strand). VCF-style: chr8-41934320-C-G. GRCh37 (hg19) VCF-style: chr8-41791838-C-G.
Other names: c.3900G>C (NM_006766.3); short protein forms E1300D.
Identifiers: ClinVar variation 3009276 (VCV003009276.4), dbSNP rs772517708, ClinGen allele CA4729583.
Genomic context (GRCh38, chr8:41,934,320, plus strand): 5'-ATCCTCATCATCAGCGTCGTGGTCGTCATTCTGGGCAGTCTCTGCAGCTGCATCTTCCTC[C>G]TCCTCTGGCTCTGGCTCCTCTAATTCCTGCTGCTCCTCCTCTGACTGCCTCTGCTCCTCT-3'
Protein context (NP_006757.2, residues 1290-1310): QQELEEPEPE[Glu1300Asp]EEDAAAETAQ